The following is an entry in ClinVar:

NM_000256.3(MYBPC3):c.2120A>G (p.Asp707Gly)

Gene: MYBPC3 (myosin binding protein C3; minus strand). Cytogenetic location: 11p11.2.
Variant type: single nucleotide variant.
Coding change: c.2120A>G on transcript NM_000256.3 (MANE Select); coding-DNA position 2120, A replaced by G.
Protein change: p.Asp707Gly; replaces aspartic acid 707 with glycine.
Molecular consequence: missense variant.
Genome position (GRCh38, 1-based): chr11:47,339,352, T>C on the plus strand (A>G on the coding strand, the complement: MYBPC3 is on the minus strand). VCF-style: chr11-47339352-T-C. GRCh37 (hg19) VCF-style: chr11-47360903-T-C.
Other names: short protein forms D707G.
Identifiers: ClinVar variation 920906 (VCV000920906.4), dbSNP rs2095885891, ClinGen allele CA380320888.

ClinVar aggregate classification (germline): Uncertain significance (1 of 4 stars; one submission).

Conditions:
Cardiomyopathy (CMYO). Also called: Cardiomyopathies. Identifiers: Orphanet 167848, MedGen C0878544, MONDO:0004994, HP:0001638. Inheritance: Various modes of inheritance.

Submission:

Color Diagnostics, LLC DBA Color Health
Classification: Uncertain significance for Cardiomyopathy. Last evaluated: 2024-03-06. Review status: criteria provided, single submitter. Criteria: ACMG Guidelines, 2015. Collection method: clinical testing. Allele origin: germline.
Comment: This missense variant replaces aspartic acid with glycine at codon 707 of the MYBPC3 protein. Computational prediction suggests that this variant may not impact protein structure and function (internally defined REVEL score threshold <= 0.5, PMID: 27666373). Splice site prediction tools suggest that this variant may not impact RNA splicing. To our knowledge, functional studies have not been performed for this variant. This variant has not been reported in individuals affected with cardiovascular disorders in the literature. This variant has not been identified in the general population by the Genome Aggregation Database (gnomAD). The available evidence is insufficient to determine the role of this variant in disease conclusively. Therefore, this variant is classified as a Variant of Uncertain Significance.